The following is an entry in ClinVar:

ClinVar aggregate classification (germline): Likely benign. Review status: criteria provided, single submitter (1 of 4 stars). 2 submissions from 2 submitters: Likely benign (1). 1 of the submissions does not count toward it. Last evaluated 2026-01-26.

Conditions:
FOCAD-related disorder. Also called: FOCAD-related condition.

Allele frequency attached by ClinVar (database versions not stated): ESP Exome Variant Server 0.00015; gnomAD exomes 0.00002; ExAC 0.00008; 1000 Genomes Project 30x 0.00016; 1000 Genomes Project 0.00020; gnomAD 0.00026; TOPMed 0.00027.
gnomAD v4.1: 71 of 1,614,088 alleles (0.0044%); highest among the groups gnomAD compares: African/African-American, 0.087%; no homozygotes.

Submissions (2):

Labcorp Genetics (formerly Invitae), Labcorp
Classification: Likely benign. Last evaluated: 2026-01-26. Review status: criteria provided, single submitter. Criteria: Invitae Variant Classification Sherloc (09022015). Collection method: clinical testing. Allele origin: germline.

PreventionGenetics, part of Exact Sciences
Classification: Likely benign for FOCAD-related condition. Last evaluated: 2022-09-08. Review status: no assertion criteria provided. Collection method: clinical testing. Allele origin: germline. Not counted in ClinVar's aggregate classification.
Comment: This variant is classified as likely benign based on ACMG/AMP sequence variant interpretation guidelines (Richards et al. 2015 PMID: 25741868, with internal and published modifications).

NM_001375567.1(FOCAD):c.3111C>A (p.Ala1037=)

Gene: FOCAD (focadhesin; plus strand). Cytogenetic location: 9p21.3.
Variant type: single nucleotide variant.
Coding change: c.3111C>A on transcript NM_001375567.1 (MANE Select); coding-DNA position 3111, C replaced by A.
Protein change: p.Ala1037=; no amino-acid change (alanine 1037 retained).
Molecular consequence: synonymous variant.
Genome position (GRCh38, 1-based): chr9:20,929,390, C>A. VCF-style: chr9-20929390-C-A. GRCh37 (hg19) VCF-style: chr9-20929389-C-A.
Other names: c.3006C>A, p.Ala1002= (NM_001375568.1, NM_001375570.1); c.3111C>A, p.Ala1037= (NM_017794.5).
Identifiers: ClinVar variation 3036977 (VCV003036977.4), dbSNP rs201236654, ClinGen allele CA5007436.
Genomic context (GRCh38, chr9:20,929,390, plus strand): 5'-CCTGTTTTCTTTCTTTGGCATGTCCTAGAAGTCCTATTCTGGTGAAAACACAGCTAGTGC[C>A]ATTGCCCGTTCTGCTGCCGCCACGGCTTTGTCTCTCCTTGTGCCAGTTTTCATTATCTCT-3'
Protein context (NP_001362496.1, residues 1027-1047): KSYSGENTAS[Ala1037=]IARSAAATAL